The following is an entry in ClinVar:

NM_016030.6(TRAPPC12):c.421G>T (p.Gly141Cys)

Gene: TRAPPC12 (trafficking protein particle complex subunit 12; plus strand). Cytogenetic location: 2p25.3.
Variant type: single nucleotide variant.
Coding change: c.421G>T on transcript NM_016030.6 (MANE Select); coding-DNA position 421, G replaced by T.
Protein change: p.Gly141Cys; replaces glycine 141 with cysteine.
Molecular consequence: missense variant.
Genome position (GRCh38, 1-based): chr2:3,388,044, G>T. VCF-style: chr2-3388044-G-T. GRCh37 (hg19) VCF-style: chr2-3391815-G-T.
Other names: c.421G>T, p.Gly141Cys (NM_001321102.2); short protein forms G141C.
Identifiers: ClinVar variation 3702332 (VCV003702332.2).

ClinVar aggregate classification (germline): Uncertain significance (1 of 4 stars; one submission).

gnomAD v4.1: 2 of 1,499,606 alleles (0.00013%); highest among the groups gnomAD compares: Non-Finnish European, 0.00018%; no homozygotes.

Submission:

Labcorp Genetics (formerly Invitae), Labcorp
Classification: Uncertain significance. Last evaluated: 2024-08-14. Review status: criteria provided, single submitter. Criteria: Invitae Variant Classification Sherloc (09022015). Collection method: clinical testing. Allele origin: germline.
Comment: This sequence change replaces glycine, which is neutral and non-polar, with cysteine, which is neutral and slightly polar, at codon 141 of the TRAPPC12 protein (p.Gly141Cys). This variant is present in population databases (rs748145788, gnomAD 0.003%). This variant has not been reported in the literature in individuals affected with TRAPPC12-related conditions. An algorithm developed to predict the effect of missense changes on protein structure and function (PolyPhen-2) suggests that this variant is likely to be disruptive. In summary, the available evidence is currently insufficient to determine the role of this variant in disease. Therefore, it has been classified as a Variant of Uncertain Significance.